The following is an entry in ClinVar:

NM_000138.5(FBN1):c.4460-8G>A

Gene: FBN1 (fibrillin 1; minus strand). Cytogenetic location: 15q21.1.
Variant type: single nucleotide variant.
Coding change: c.4460-8G>A on transcript NM_000138.5 (MANE Select); 8 bases into the intron before coding-DNA position 4460, G replaced by A.
Molecular consequence: intron variant.
Genome position (GRCh38, 1-based): chr15:48,468,542, C>T on the plus strand (G>A on the coding strand, the complement: FBN1 is on the minus strand). VCF-style: chr15-48468542-C-T. GRCh37 (hg19) VCF-style: chr15-48760739-C-T.
Identifiers: ClinVar variation 36075 (VCV000036075.31), dbSNP rs193922204, ClinGen allele CA015110.
Genomic context (GRCh38, chr15:48,468,542, plus strand): 5'-GTTGACACAGTTCCCACTGATGCACGTGGTTGGATCCAGGCATTCATTCACATCTAAAAC[C>T]GAACAGTGAGTAGTGGAGTTATCACCTGAGCCAGTGTAGGCAGACATCACCATAAAAGAA-3'

ClinVar aggregate classification (germline): Pathogenic/Likely pathogenic. Review status: criteria provided, multiple submitters, no conflicts (2 of 4 stars). 12 submissions from 12 submitters: Pathogenic (5); Likely pathogenic (5). 2 of the submissions do not count toward it. Last evaluated 2025-09-10.

Conditions:
Acromicric dysplasia (ACMICD). Also called: Acromicric skeletal dysplasia. Identifiers: Orphanet 969, MedGen C0265287, MONDO:0007055, OMIM 102370.
Marfan syndrome (MFS). Also called: FBN1-Related Marfan Syndrome; Marfan syndrome type 1; Marfan's syndrome; Marfan syndrome, classic; MARFAN SYNDROME, TYPE I. Identifiers: Orphanet 284963, Orphanet 558, MedGen C0024796, MONDO:0007947, OMIM 154700.
Progeroid and marfanoid aspect-lipodystrophy syndrome. Also called: MARFANOID-PROGEROID-LIPODYSTROPHY SYNDROME; MARFANOID-PROGEROID SYNDROME; MARFAN-PROGEROID-LIPODYSTROPHY SYNDROME; Marfan lipodystrophy syndrome. Identifiers: Orphanet 300382, MedGen C4310796, MONDO:0014831, OMIM 616914.
Stiff skin syndrome (SSKS). Identifiers: Orphanet 2833, MedGen C1861456, MONDO:0008492, OMIM 184900.
Geleophysic dysplasia 2 (GPHYSD2). Identifiers: Orphanet 2623, MedGen C3280054, MONDO:0013612, OMIM 614185.
Weill-Marchesani syndrome 2, dominant. Also called: Weill-Marchesani Syndrome, Autosomal Dominant; FBN1-Related Weill-Marchesani Syndrome. Identifiers: Orphanet 2084, MedGen C1869115, MONDO:0012013, OMIM 608328.
MASS syndrome (OCTD). Also called: OVERLAP CONNECTIVE TISSUE DISEASE; MASS PHENOTYPE. Identifiers: MedGen C1858556, MONDO:0011431, OMIM 604308.
Ectopia lentis 1, isolated, autosomal dominant (ECTOL1). Identifiers: Orphanet 1885, MedGen C3541518, MONDO:0007514, OMIM 129600.
Familial thoracic aortic aneurysm and aortic dissection (TAAD). Also called: Thoracic aortic aneurysms and dissections. Identifiers: Orphanet 91387, MedGen C4707243, MONDO:0019625.
FBN1-related disorder. Also called: FBN1-related disorders.

Allele frequency attached by ClinVar (database versions not stated): TOPMed below 0.00001; gnomAD 0.00001; gnomAD exomes below 0.00001.
gnomAD v4.1: 3 of 1,613,774 alleles (0.00019%); highest among the groups gnomAD compares: Admixed American, 0.0017%; no homozygotes.

Submissions 1 to 8 of 12:

Labcorp Genetics (formerly Invitae), Labcorp
Classification: Pathogenic for Marfan syndrome; Familial thoracic aortic aneurysm and aortic dissection. Last evaluated: 2025-09-10. Review status: criteria provided, single submitter. Criteria: Invitae Variant Classification Sherloc (09022015). Collection method: clinical testing. Allele origin: germline.
Comment: This sequence change falls in intron 36 of the FBN1 gene. It does not directly change the encoded amino acid sequence of the FBN1 protein. This variant is present in population databases (rs193922204, gnomAD 0.003%). This variant has been observed in individual(s) with Marfan syndrome (PMID: 11700157, 19293843; internal data). This variant is also known as IVS35-8G>A. ClinVar contains an entry for this variant (Variation ID: 36075). Algorithms developed to predict the effect of sequence changes on RNA splicing suggest that this variant may disrupt the consensus splice site. For these reasons, this variant has been classified as Pathogenic.

Blueprint Genetics
Classification: Pathogenic for FBN1-related disorders. Last evaluated: 2024-02-05. Review status: criteria provided, single submitter. Criteria: ACMG Guidelines, 2015. Collection method: clinical testing. Allele origin: germline. Affected: yes. Observed: 1 variant allele.

Victorian Clinical Genetics Services, Murdoch Childrens Research Institute
Classification: Pathogenic for Marfan syndrome. Last evaluated: 2023-07-17. Review status: criteria provided, single submitter. Criteria: ACMG Guidelines, 2015. Collection method: clinical testing. Allele origin: germline. Inheritance: Autosomal dominant inheritance. Affected: yes.
Comment: Based on the classification scheme VCGS_Germline_v1.3.4, this variant is classified as Pathogenic. Following criteria are met: 0103 - Dominant negative and loss of function are known mechanisms of disease in this gene and are associated with FBN1-related disease. Variants predicted to result in nonsense mediated decay cause loss of function effects, and are more commonly associated with severe Marfan syndrome (MIM#154700). Missense variants with both dominant negative and loss of function effects on protein function, are associated with Marfan syndrome and ectopia lentis (MIM#129600) (OMIM, PMID: 29357934). The exact genotype-phenotype correlation for this gene is still unclear, and is compounded by variable expressivity (PMID: 20301510). (I) 0107 - This gene is predominantly associated with autosomal dominant disease; autosomal recessive forms of Marfan syndrome have rarely been reported (PMID: 27274304; 31950671). 0115 - Variants in this gene are known to have variable expressivity. The genotype-phenotype correlations for this gene are unclear, with single variants reported in patients with a range of phenotypes (PMID: 20301510, OMIM). (I) 0210 - Splice site variant proven to affect splicing of the transcript with a known effect on protein sequence. This variant has been confirmed by reverse transcriptase PCR (RT-PCR) to activate a cryptic acceptor splice site resulting in an insertion of six intronic nucleotides in exon 36 (c.4459_4460insTTTTAG). The variant results in an in-frame insertion of two amino acids in the protein sequence, p.(Thr1486_Asp1487insValLeu) (PMID: 18087243). (SP) 0251 - This variant is heterozygous. (I) 0302 - Variant is present in gnomAD (v2) <0.001 for a dominant condition (1 heterozygote, 0 homozygotes). (SP) 0508 - In silico predictions for abnormal splicing are conflicting. (I) 0705 - No comparable non canonical splice variants have previous evidence for pathogenicity. (I) 0801 - This variant has strong previous evidence of pathogenicity in unrelated individuals. This variant has been identified in >10 individuals with Marfan syndrome and ectopia lentis (ClinVar, PMID: 18087243, 11700157, 19293843, 32679894, doi:10.57204/001c.38690). (SP) 0905 - No published segregation evidence has been identified for this variant. (I) 1007 - No published functional evidence has been identified for this variant. (I) 1208 - Inheritance information for this variant is not currently available in this individual. (I) Legend: (SP) - Supporting pathogenic, (I) - Information, (SB) - Supporting benign

Clinical Genetics Laboratory, Skane University Hospital Lund
Classification: Pathogenic. Last evaluated: 2022-07-07. Review status: criteria provided, single submitter. Criteria: ACMG Guidelines, 2015. Collection method: clinical testing. Allele origin: germline. Affected: yes.

GeneDx
Classification: Likely pathogenic. Last evaluated: 2021-11-26. Review status: criteria provided, single submitter. Criteria: GeneDx Variant Classification Process June 2021. Collection method: clinical testing. Allele origin: germline. Affected: yes.
Comment: Not observed at significant frequency in large population cohorts (Lek et al., 2016); This single nucleotide substitution occurs upstream of the natural splice acceptor site in intron 36 and creates a new cryptic splice acceptor site. Two publications independently reported that cDNA sequence analysis demonstrated the result of this variant to be in-frame insertion of 6 nucleotides into the coding sequence (c.4459_4460insTTTTAG) (Loeys et al., 2001; Pepe et al., 2007).; In silico analysis supports a deleterious effect on splicing; This variant is associated with the following publications: (PMID: 19293843, 18087243, 32679894, 11700157)

Ambry Genetics
Classification: Likely pathogenic for Familial thoracic aortic aneurysm and aortic dissection. Last evaluated: 2019-11-10. Review status: criteria provided, single submitter. Criteria: Ambry Variant Classification Scheme 2023. Collection method: clinical testing. Allele origin: germline.
Comment: The c.4460-8G>A intronic variant results from a G to A substitution 8 nucleotides upstream from coding exon 36 in the FBN1 gene. This variant was reported in individuals with features of Marfan syndrome (Loeys B et al. Arch. Intern. Med., 2001 Nov;161:2447-54; Loeys B et al. Hum. Mutat., 2004 Aug;24:140-6; Stheneur C et al. Eur. J. Hum. Genet., 2009 Sep;17:1121-8). In one family, this variant segregated with ectopia lentis in 3 relatives and RT-PCR analysis demonstrated an inframe insertion of 6 nucleotides due to use of a cryptic acceptor site (Pepe G et al. Mol. Vis., 2007 Nov;13:2242-7). Using four different splice site prediction tools, this alteration is predicted by ESEFinder, MaxEnt, and HSF to create a new alternate splice acceptor site, but BDGP does not predict the creation of a non-native acceptor site, nor a deleterious effect on splicing; however, direct evidence is unavailable (Desmet FO et al. Nucleic Acids Res. 2009 May;37:e67). Based on data from gnomAD, the A allele has an overall frequency of approximately <0.001% (1/250992). This nucleotide position is well conserved in available vertebrate species. Based on the majority of available evidence to date, this variant is likely to be pathogenic.

Laboratory for Molecular Medicine, Mass General Brigham Personalized Medicine
Classification: Likely pathogenic for Marfan syndrome. Last evaluated: 2019-08-07. Review status: criteria provided, single submitter. Criteria: ACMG Guidelines, 2015. Collection method: clinical testing. Allele origin: germline. Inheritance: Autosomal dominant inheritance.
Comment: The c.4460-8G>A variant in FBN1 has been reported in at least 3 individuals with Marfan syndrome and segregated with disease in 2 affected individuals from 1 family (Loeys 2001, Pepe 2007, Stheneur 2009). It has also been identified in 0.003% (1/34574) of Latino chromosomes by gnomAD and is reported in ClinVar (Variation ID: 36075). This variant is located in the 3' splice region. Computational tools and in vitro splicing assays (Pepe 2007) predict a splicing impact, though this information is not predictive enough to determine pathogenicity. In summary, although additional studies are required to fully establish its clinical significance, this variant meets criteria to be classified as likely pathogenic for autosomal dominant Marfan syndrome. ACMG/AMP Criteria applied: PM2, PP3, PS3_Supporting, PS4_Moderate.

ARUP Laboratories, Molecular Genetics and Genomics, ARUP Laboratories
Classification: Likely pathogenic. Last evaluated: 2017-04-03. Review status: criteria provided, single submitter. Criteria: ARUP Molecular Germline Variant Investigation Process. Collection method: clinical testing. Allele origin: germline.